The following is an entry in ClinVar:

NM_181882.3(PRX):c.3001del (p.His1001fs)

Gene: PRX (periaxin; minus strand). Cytogenetic location: 19q13.2.
Variant type: Deletion.
Coding change: c.3001del on transcript NM_181882.3 (MANE Select); coding-DNA position 3001, one base deleted (C; older notation c.3001delC).
Protein change: p.His1001fs; shifts the reading frame from histidine 1001.
Molecular consequence: frameshift variant. On other transcripts: 3 prime UTR variant (1).
Genome position (GRCh38, 1-based): chr19:40,395,351, G deleted on the plus strand (C on the coding strand, the reverse complement: PRX is on the minus strand); the first of 3 consecutive G bases (chr19:40,395,351-40,395,353); deleting any one gives the same sequence. VCF-style (leftmost placement, unchanged base first): chr19-40395350-TG-T. GRCh37 (hg19) VCF-style: chr19-40901257-TG-T.
Other names: c.3286del, p.His1096fs (NM_001411127.1); c.*3206del (NM_020956.2); short protein forms H1001fs, H1096fs.
Identifiers: ClinVar variation 3251091 (VCV003251091.18), dbSNP rs1199337390.

ClinVar aggregate classification (germline): Likely pathogenic (1 of 4 stars; one submission).

Submission:

CeGaT Center for Human Genetics Tuebingen
Classification: Likely pathogenic. Last evaluated: 2024-06-01. Review status: criteria provided, single submitter. Criteria: CeGaT Center For Human Genetics Tuebingen Variant Classification Criteria Version 2. Collection method: clinical testing. Allele origin: germline. Affected: yes. Observed: 1 variant allele.
Comment: PRX: PVS1:Strong, PM2, PM3:Supporting